The following is an entry in ClinVar:

ClinVar aggregate classification (germline): Conflicting classifications of pathogenicity. Review status: criteria provided, conflicting classifications (1 of 4 stars). 2 submissions from 2 submitters: Uncertain significance (1); Likely benign (1). Last evaluated 2024-09-20.

Conditions:
Kilquist syndrome (KILQS). Also called: SLC12A2-related autosomal recessive neonatal-developmental delay-intellectual disability-feeding difficulty-sensorineural deafness syndrome. Identifiers: Orphanet 633021, MedGen C5436756, MONDO:0033664, OMIM 619080.
Inborn genetic diseases. Identifiers: MedGen C0950123, MeSH D030342.

gnomAD v4.1: 8 of 1,610,528 alleles (0.0005%); highest among the groups gnomAD compares: Middle Eastern, 0.13%; no homozygotes.

Submissions (2):

3billion
Classification: Likely benign for Kilquist syndrome. Last evaluated: 2024-09-20. Review status: criteria provided, single submitter. Criteria: ACMG Guidelines, 2015. Collection method: clinical testing. Allele origin: germline. Affected: no.
Comment: The homozygous variant was found in patients diagnosed with another variant in a different gene, with no symptoms related to the gene containing the homozygous variant.

Ambry Genetics
Classification: Uncertain significance for Inborn genetic diseases. Last evaluated: 2022-05-04. Review status: criteria provided, single submitter. Criteria: Ambry Variant Classification Scheme 2023. Collection method: clinical testing. Allele origin: germline.

NM_001046.3(SLC12A2):c.3134C>T (p.Thr1045Ile)

Gene: SLC12A2 (solute carrier family 12 member 2; plus strand). Cytogenetic location: 5q23.3.
Variant type: single nucleotide variant.
Coding change: c.3134C>T on transcript NM_001046.3 (MANE Select); coding-DNA position 3134, C replaced by T.
Protein change: p.Thr1045Ile; replaces threonine 1045 with isoleucine.
Molecular consequence: missense variant. On other transcripts: non-coding transcript variant (1).
Genome position (GRCh38, 1-based): chr5:128,180,916, C>T. VCF-style: chr5-128180916-C-T. GRCh37 (hg19) VCF-style: chr5-127516608-C-T.
Other names: c.3086C>T, p.Thr1029Ile (NM_001256461.2); short protein forms T1045I, T1029I.
Identifiers: ClinVar variation 2287133 (VCV002287133.3), dbSNP rs777580088, ClinGen allele CA126976464.
Genomic context (GRCh38, chr5:128,180,916, plus strand): 5'-ATGATTTATTACATTTTTATAATTCAGGTTTGACCTTATTGATACCTTACCTTCTGACGA[C>T]CAAGAAAAAATGGAAAGACTGTAAGATCAGAGTATTCATTGGTGGAAAGATAAACAGAAT-3'
Protein context (NP_001037.1, residues 1035-1055): LTLLIPYLLT[Thr1045Ile]KKKWKDCKIR